The following is an entry in ClinVar:

ClinVar aggregate classification (germline): Uncertain significance. Review status: criteria provided, multiple submitters, no conflicts (2 of 4 stars). 2 submissions from 2 submitters: Uncertain significance (2). Last evaluated 2025-12-22.

Conditions:
Inborn genetic diseases. Identifiers: MedGen C0950123, MeSH D030342.

Allele frequency attached by ClinVar (database versions not stated): gnomAD exomes 0.00001 and 0.00004; ExAC 0.00005; ESP Exome Variant Server 0.00008.
gnomAD v4.1: 41 of 1,605,656 alleles (0.0026%); highest among the groups gnomAD compares: African/African-American, 0.047%; no homozygotes.

Submissions (2):

Labcorp Genetics (formerly Invitae), Labcorp
Classification: Uncertain significance. Last evaluated: 2025-12-22. Review status: criteria provided, single submitter. Criteria: Invitae Variant Classification Sherloc (09022015). Collection method: clinical testing. Allele origin: germline.
Comment: This sequence change replaces histidine, which is basic and polar, with asparagine, which is neutral and polar, at codon 146 of the TNNI3K protein (p.His146Asn). This variant is present in population databases (rs148184992, gnomAD 0.06%), and has an allele count higher than expected for a pathogenic variant. This variant has not been reported in the literature in individuals affected with TNNI3K-related conditions. ClinVar contains an entry for this variant (Variation ID: 1394809). Invitae Evidence Modeling of protein sequence and biophysical properties (such as structural, functional, and spatial information, amino acid conservation, physicochemical variation, residue mobility, and thermodynamic stability) indicates that this missense variant is not expected to disrupt TNNI3K protein function with a negative predictive value of 80%. In summary, the available evidence is currently insufficient to determine the role of this variant in disease. Therefore, it has been classified as a Variant of Uncertain Significance.

Ambry Genetics
Classification: Uncertain significance for Inborn genetic diseases. Last evaluated: 2025-06-03. Review status: criteria provided, single submitter. Criteria: Ambry Variant Classification Scheme 2023. Collection method: clinical testing. Allele origin: germline.

NM_015978.3(TNNI3K):c.436C>A (p.His146Asn)

Genes: FPGT-TNNI3K (FPGT-TNNI3K readthrough; plus strand), TNNI3K (TNNI3 interacting kinase; plus strand). Cytogenetic location: 1p31.1.
Variant type: single nucleotide variant.
Coding change: c.436C>A on transcript NM_015978.3 (MANE Select); coding-DNA position 436, C replaced by A.
Protein change: p.His146Asn; replaces histidine 146 with asparagine.
Molecular consequence: missense variant.
Genome position (GRCh38, 1-based): chr1:74,271,700, C>A. VCF-style: chr1-74271700-C-A. GRCh37 (hg19) VCF-style: chr1-74737384-C-A.
Other names: c.739C>A, p.His247Asn (NM_001112808.3, NM_001199327.2); c.436C>A (NM_015978.2); short protein forms H247N, H146N.
Identifiers: ClinVar variation 1394809 (VCV001394809.10), dbSNP rs148184992, ClinGen allele CA908891.
Genomic context (GRCh38, chr1:74,271,700, plus strand): 5'-GATATACAGCAGGTTGGATACGGTGGCCTCACTGCCCTCCATATTGCTACAATAGCTGGC[C>A]ACCTAGAGGTAAGTCATGCCTTTGGCACCTGTGAAAACAAAGGTTATTTACCTTTTCGGT-3'
Protein context (NP_057062.1, residues 136-156): TALHIATIAG[His146Asn]LEAADVLLQH